The following is an entry in ClinVar:

NM_003000.3(SDHB):c.577A>G (p.Ser193Gly)

Gene: SDHB (succinate dehydrogenase complex iron sulfur subunit B; minus strand). Cytogenetic location: 1p36.13.
Variant type: single nucleotide variant.
Coding change: c.577A>G on transcript NM_003000.3 (MANE Select); coding-DNA position 577, A replaced by G.
Protein change: p.Ser193Gly; replaces serine 193 with glycine.
Molecular consequence: missense variant.
Genome position (GRCh38, 1-based): chr1:17,024,038, T>C on the plus strand (A>G on the coding strand, the complement: SDHB is on the minus strand). VCF-style: chr1-17024038-T-C. GRCh37 (hg19) VCF-style: chr1-17350533-T-C.
Other names: c.523A>G, p.Ser175Gly (NM_001407361.1); short protein forms S175G, S193G.
Identifiers: ClinVar variation 2497813 (VCV002497813.2), dbSNP rs760438782, ClinGen allele CA089673.

ClinVar aggregate classification (germline): Uncertain significance. Review status: criteria provided, multiple submitters, no conflicts (2 of 4 stars). 2 submissions from 2 submitters: Uncertain significance (2). Last evaluated 2026-07-06.

Conditions:
Hereditary cancer-predisposing syndrome. Also called: Hereditary Cancer Syndrome; Hereditary neoplastic syndrome; Neoplastic Syndromes, Hereditary; Tumor predisposition. Identifiers: Orphanet 140162, MedGen C0027672, MeSH D009386, MONDO:0015356.

Allele frequency attached by ClinVar (database versions not stated): ExAC 0.00001; gnomAD exomes 0.00001.
gnomAD v4.1: 4 of 1,613,986 alleles (0.00025%); highest among the groups gnomAD compares: South Asian, 0.0033%; no homozygotes.

Submissions (2):

Ambry Genetics
Classification: Uncertain significance for Hereditary cancer-predisposing syndrome. Last evaluated: 2026-07-06. Review status: criteria provided, single submitter. Criteria: Ambry Variant Classification Scheme 2023. Collection method: clinical testing. Allele origin: germline.
Comment: The p.S193G variant (also known as c.577A>G), located in coding exon 6 of the SDHB gene, results from an A to G substitution at nucleotide position 577. The serine at codon 193 is replaced by glycine, an amino acid with similar properties. This amino acid position is conserved. In addition, this alteration is predicted to be deleterious by in silico analysis. Based on the available evidence, the clinical significance of this variant remains unclear.

GeneDx
Classification: Uncertain significance. Last evaluated: 2022-10-04. Review status: criteria provided, single submitter. Criteria: GeneDx Variant Classification Process June 2021. Collection method: clinical testing. Allele origin: germline. Affected: yes.
Comment: Not observed at significant frequency in large population cohorts (gnomAD); In silico analysis supports that this missense variant has a deleterious effect on protein structure/function; Has not been previously published as pathogenic or benign to our knowledge